The following is an entry in ClinVar:

ClinVar aggregate classification (germline): Uncertain significance. Review status: criteria provided, multiple submitters, no conflicts (2 of 4 stars). 4 submissions from 4 submitters: Uncertain significance (4). Last evaluated 2026-05-04.

Conditions:
Ullrich congenital muscular dystrophy 2 (UCMD2). Identifiers: Orphanet 75840, MedGen C4225314, MONDO:0014654, OMIM 616470.
Bethlem myopathy 2 (BTHLM2). Identifiers: Orphanet 536516, Orphanet 610, MedGen C4225313, MONDO:0034022, OMIM 616471.

Allele frequency attached by ClinVar (database versions not stated): gnomAD exomes 0.00001.
gnomAD v4.1: 3 of 1,613,596 alleles (0.00019%); highest among the groups gnomAD compares: Non-Finnish European, 0.00025%; no homozygotes.

Submissions (4):

Women's Health and Genetics/Laboratory Corporation of America, LabCorp
Classification: Uncertain significance. Last evaluated: 2026-05-04. Review status: criteria provided, single submitter. Criteria: LabCorp Variant Classification Summary - May 2015. Collection method: clinical testing. Allele origin: germline.
Comment: Variant summary: COL12A1 c.4225T>C (p.Ser1409Pro) results in a non-conservative amino acid change in the encoded protein sequence. Algorithms developed to predict the effect of missense changes on protein structure and function are either unavailable or do not agree on the potential impact of this missense change. The variant was absent in 249008 control chromosomes. The available data on variant occurrences in the general population are insufficient to allow any conclusion about variant significance. To our knowledge, no occurrence of c.4225T>C in individuals affected with COL12A1-related conditions and no experimental evidence demonstrating its impact on protein function have been reported. ClinVar contains an entry for this variant (Variation ID: 2656705). Based on the evidence outlined above, the variant was classified as uncertain significance.

Labcorp Genetics (formerly Invitae), Labcorp
Classification: Uncertain significance for Bethlem myopathy 2; Ullrich congenital muscular dystrophy 2. Last evaluated: 2025-10-17. Review status: criteria provided, single submitter. Criteria: Invitae Variant Classification Sherloc (09022015). Collection method: clinical testing. Allele origin: germline.
Comment: This sequence change replaces serine, which is neutral and polar, with proline, which is neutral and non-polar, at codon 1409 of the COL12A1 protein (p.Ser1409Pro). This variant is not present in population databases (gnomAD no frequency). This variant has not been reported in the literature in individuals affected with COL12A1-related conditions. ClinVar contains an entry for this variant (Variation ID: 2656705). Invitae Evidence Modeling of protein sequence and biophysical properties (such as structural, functional, and spatial information, amino acid conservation, physicochemical variation, residue mobility, and thermodynamic stability) indicates that this missense variant is not expected to disrupt COL12A1 protein function with a negative predictive value of 80%. In summary, the available evidence is currently insufficient to determine the role of this variant in disease. Therefore, it has been classified as a Variant of Uncertain Significance.

GeneDx
Classification: Uncertain significance. Last evaluated: 2024-12-11. Review status: criteria provided, single submitter. Criteria: GeneDx Variant Classification Process June 2021. Collection method: clinical testing. Allele origin: germline. Affected: yes.
Comment: Not observed at significant frequency in large population cohorts (gnomAD); In silico analysis indicates that this missense variant does not alter protein structure/function; Has not been previously published as pathogenic or benign to our knowledge

CeGaT Center for Human Genetics Tuebingen
Classification: Uncertain significance. Last evaluated: 2023-10-01. Review status: criteria provided, single submitter. Criteria: CeGaT Center For Human Genetics Tuebingen Variant Classification Criteria Version 2. Collection method: clinical testing. Allele origin: germline. Affected: yes. Observed: 1 variant allele.
Comment: COL12A1: PM2, BP4

NM_004370.6(COL12A1):c.4225T>C (p.Ser1409Pro)

Gene: COL12A1 (collagen type XII alpha 1 chain; minus strand). Cytogenetic location: 6q13.
Variant type: single nucleotide variant.
Coding change: c.4225T>C on transcript NM_004370.6 (MANE Select); coding-DNA position 4225, T replaced by C.
Protein change: p.Ser1409Pro; replaces serine 1409 with proline.
Molecular consequence: missense variant.
Genome position (GRCh38, 1-based): chr6:75,148,420, A>G on the plus strand (T>C on the coding strand, the complement: COL12A1 is on the minus strand). VCF-style: chr6-75148420-A-G. GRCh37 (hg19) VCF-style: chr6-75858136-A-G.
Other names: c.4225T>C (NM_004370.5); c.4225T>C, p.Ser1409Pro (NM_001424113.1, NM_001424114.1); c.3952T>C, p.Ser1318Pro (NM_001424115.1); c.733T>C, p.Ser245Pro (NM_001424116.1, NM_080645.3); short protein forms S1318P, S1409P, S245P.
Identifiers: ClinVar variation 2656705 (VCV002656705.27), dbSNP rs2533377627, ClinGen allele CA364745619.